The following is an entry in ClinVar:

ClinVar aggregate classification (germline): Benign. Review status: criteria provided, multiple submitters, no conflicts (2 of 4 stars). 5 submissions from 4 submitters: Benign (5). Last evaluated 2025-07-10.

Conditions:
Waardenburg syndrome type 2A (WS2A). Also called: WAARDENBURG SYNDROME WITHOUT DYSTOPIA CANTHORUM. Identifiers: Orphanet 3440, MedGen C1860339, MONDO:0008671, OMIM 193510.
Tietz syndrome (TADS). Also called: ALBINISM-DEAFNESS OF TIETZ; HYPOPIGMENTATION/DEAFNESS OF TIETZ; TIETZ ALBINISM-DEAFNESS SYNDROME. Identifiers: Orphanet 42665, MedGen C0391816, MONDO:0007077, OMIM 103500.
Hereditary cancer-predisposing syndrome. Also called: Neoplastic Syndromes, Hereditary; Tumor predisposition; Hereditary neoplastic syndrome; Hereditary Cancer Syndrome. Identifiers: Orphanet 140162, MedGen C0027672, MeSH D009386, MONDO:0015356.

Allele frequency attached by ClinVar (database versions not stated): gnomAD exomes 0.08826 and 0.09836; ExAC 0.08973; 1000 Genomes Project 0.10144; 1000 Genomes Project 30x 0.10681; gnomAD 0.11565 and 0.11996; TOPMed 0.12371; ESP Exome Variant Server 0.13232.
gnomAD v4.1: 160,279 of 1,598,906 alleles (10%); highest among the groups gnomAD compares: African/African-American, 19%; 8,865 homozygotes.

Submissions (5):

GeneKor MSA
Classification: Benign for Hereditary cancer-predisposing syndrome. Last evaluated: 2025-07-10. Review status: criteria provided, single submitter. Criteria: ACMG Guidelines, 2015. Collection method: clinical testing. Allele origin: germline.

GeneDx
Classification: Benign. Last evaluated: 2018-06-24. Review status: criteria provided, single submitter. Criteria: GeneDx Variant Classification Process June 2021. Collection method: clinical testing. Allele origin: germline. Affected: yes.

Illumina Laboratory Services, Illumina
Classification: Benign for Tietz syndrome. Last evaluated: 2018-01-12. Review status: criteria provided, single submitter. Criteria: ICSL Variant Classification Criteria 13 December 2019. Collection method: clinical testing. Allele origin: germline.
Comment: This variant was observed in the ICSL laboratory as part of a predisposition screen in an ostensibly healthy population. It had not been previously curated by ICSL or reported in the Human Gene Mutation Database (HGMD: prior to June 1st, 2018), and was therefore a candidate for classification through an automated scoring system. Utilizing variant allele frequency, disease prevalence and penetrance estimates, and inheritance mode, an automated score was calculated to assess if this variant is too frequent to cause the disease. Based on the score and internal cut-off values, a variant classified as benign is not then subjected to further curation. The score for this variant resulted in a classification of benign for this disease.

Illumina Laboratory Services, Illumina
Classification: Benign for Waardenburg syndrome type 2A. Last evaluated: 2018-01-12. Review status: criteria provided, single submitter. Criteria: ICSL Variant Classification Criteria 13 December 2019. Collection method: clinical testing. Allele origin: germline.
Comment: the same text as in the submission from Illumina Laboratory Services, Illumina above.

Breakthrough Genomics
Classification: Benign. Review status: criteria provided, single submitter. Criteria: ACMG Guidelines, 2015. Collection method: not provided. Allele origin: germline. Inheritance: Autosomal recessive inheritance. Affected: yes.

NM_001354604.2(MITF):c.*48T>C

Gene: MITF (melanocyte inducing transcription factor; plus strand). Cytogenetic location: 3p13.
Variant type: single nucleotide variant.
Coding change: c.*48T>C on transcript NM_001354604.2 (MANE Select); 48 bases downstream of the stop codon, T replaced by C.
Molecular consequence: 3 prime UTR variant.
Genome position (GRCh38, 1-based): chr3:69,965,296, T>C. VCF-style: chr3-69965296-T-C. GRCh37 (hg19) VCF-style: chr3-70014447-T-C.
Other names: c.*48T>C (NM_000248.4, NM_001184967.2, NM_001354605.2 and 8 more transcripts).
Identifiers: ClinVar variation 346504 (VCV000346504.10), dbSNP rs9863910, ClinGen allele CA2490714.